The following is an entry in ClinVar:

ClinVar aggregate classification (germline): Uncertain significance (1 of 4 stars; one submission).

Submission:

GeneDx
Classification: Uncertain significance. Last evaluated: 2025-03-25. Review status: criteria provided, single submitter. Criteria: GeneDx Variant Classification Process June 2021. Collection method: clinical testing. Allele origin: germline. Affected: yes.
Comment: Not observed at significant frequency in large population cohorts (gnomAD); In silico analysis supports that this missense variant has a deleterious effect on protein structure/function; Has not been previously published as pathogenic or benign to our knowledge

NM_018149.7(SMG8):c.2879A>C (p.Tyr960Ser)

Gene: SMG8 (SMG8 nonsense mediated mRNA decay factor; plus strand). Cytogenetic location: 17q22.
Variant type: single nucleotide variant.
Coding change: c.2879A>C on transcript NM_018149.7 (MANE Select); coding-DNA position 2879, A replaced by C.
Protein change: p.Tyr960Ser; replaces tyrosine 960 with serine.
Molecular consequence: missense variant.
Genome position (GRCh38, 1-based): chr17:59,214,905, A>C. VCF-style: chr17-59214905-A-C. GRCh37 (hg19) VCF-style: chr17-57292266-A-C.
Other names: short protein forms Y960S.
Identifiers: ClinVar variation 4087960 (VCV004087960.1).
Genomic context (GRCh38, chr17:59,214,905, plus strand): 5'-AAAAACAAGAAATCACCCTTCCACCTGATGGCCTTTGGGTTTTGAGATTTCCTTATGCAT[A>C]TGTGACTGAGAGAGGACCTTGTTTCCCCCCTAAGGAAAATGTGCAGTTAATGAGCTACAA-3'
Protein context (NP_060619.4, residues 950-970): GLWVLRFPYA[Tyr960Ser]VTERGPCFPP